The following is an entry in ClinVar:

NM_020184.4(CNNM4):c.2202C>T (p.Asp734=)

Gene: CNNM4 (cyclin and CBS domain divalent metal cation transport mediator 4; plus strand). Cytogenetic location: 2q11.2.
Variant type: single nucleotide variant.
Coding change: c.2202C>T on transcript NM_020184.4 (MANE Select); coding-DNA position 2202, C replaced by T.
Protein change: p.Asp734=; no amino-acid change (aspartic acid 734 retained).
Molecular consequence: synonymous variant.
Genome position (GRCh38, 1-based): chr2:96,809,391, C>T. VCF-style: chr2-96809391-C-T. GRCh37 (hg19) VCF-style: chr2-97475128-C-T.
Other names: c.2202C>T (NM_020184.3).
Identifiers: ClinVar variation 1101101 (VCV001101101.11), dbSNP rs552599408, ClinGen allele CA1783613.
Genomic context (GRCh38, chr2:96,809,391, plus strand): 5'-GCAGTACCAGAACGGGCTGCTGGCTTCTCGCATGGAGAACAGCCCTCAGTTTCCCATAGA[C>T]GGGTGCACCACCCACATGGAGAACTTGGCCGAGAAGTCTGAGCTGCCTGTGGTGGACGAG-3'
Protein context (NP_064569.3, residues 724-744): RMENSPQFPI[Asp734=]GCTTHMENLA

ClinVar aggregate classification (germline): Likely benign. Review status: criteria provided, multiple submitters, no conflicts (2 of 4 stars). 3 submissions from 3 submitters: Likely benign (3). Last evaluated 2025-09-15.

Conditions:
CNNM4-related disorder. Also called: CNNM4-related condition.

Allele frequency attached by ClinVar (database versions not stated): ExAC 0.00010; gnomAD exomes 0.00011 and 0.00012; TOPMed 0.00011; gnomAD 0.00013 and 0.00014; 1000 Genomes Project 0.00020.
gnomAD v4.1: 182 of 1,613,266 alleles (0.011%); highest among the groups gnomAD compares: Admixed American, 0.02%; no homozygotes.

Submissions (3):

Labcorp Genetics (formerly Invitae), Labcorp
Classification: Likely benign. Last evaluated: 2025-09-15. Review status: criteria provided, single submitter. Criteria: Invitae Variant Classification Sherloc (09022015). Collection method: clinical testing. Allele origin: germline.

PreventionGenetics, part of Exact Sciences
Classification: Likely benign for CNNM4-related condition. Last evaluated: 2025-08-14. Review status: criteria provided, single submitter. Criteria: ACMG Guidelines, 2015. Collection method: clinical testing. Allele origin: germline.
Comment: This variant is classified as likely benign based on ACMG/AMP sequence variant interpretation guidelines (Richards et al. 2015 PMID: 25741868, with internal and published modifications).

Blueprint Genetics
Classification: Likely benign. Last evaluated: 2023-12-21. Review status: criteria provided, single submitter. Criteria: ACMG Guidelines, 2015. Collection method: clinical testing. Allele origin: germline.